The following is an entry in ClinVar:

ClinVar aggregate classification (germline): Pathogenic. Review status: criteria provided, multiple submitters, no conflicts (2 of 4 stars). 3 submissions from 3 submitters: Pathogenic (3). Last evaluated 2024-08-23.

Conditions:
ASXL3-related disorder. Also called: ASXL3-related condition. Identifiers: MedGen CN381524.

Submissions (3):

Blueprint Genetics
Classification: Pathogenic for ASXL3-related disorders. Last evaluated: 2024-08-23. Review status: criteria provided, single submitter. Criteria: ACMG Guidelines, 2015. Collection method: clinical testing. Allele origin: germline. Affected: yes. Observed: 1 variant allele.

CeGaT Center for Human Genetics Tuebingen
Classification: Pathogenic. Last evaluated: 2022-01-01. Review status: criteria provided, single submitter. Criteria: CeGaT Center For Human Genetics Tuebingen Variant Classification Criteria Version 2. Collection method: clinical testing. Allele origin: germline. Affected: yes. Observed: 1 variant allele.

GeneDx
Classification: Pathogenic. Last evaluated: 2018-08-02. Review status: criteria provided, single submitter. Criteria: GeneDx Variant Classification (06012015). Collection method: clinical testing. Allele origin: germline. Affected: yes.
Comment: This variant is predicted to cause loss of normal protein function either through protein truncation or nonsense-mediated mRNA decay. The Q595X variant is not observed in large population cohorts (Lek et al., 2016). We interpret Q595X as a pathogenic variant.

NM_030632.3(ASXL3):c.1783C>T (p.Gln595Ter)

Gene: ASXL3 (ASXL transcriptional regulator 3; plus strand). Cytogenetic location: 18q12.1.
Variant type: single nucleotide variant.
Coding change: c.1783C>T on transcript NM_030632.3 (MANE Select); coding-DNA position 1783, C replaced by T.
Protein change: p.Gln595Ter; replaces glutamine 595 with a stop codon.
Molecular consequence: nonsense.
Genome position (GRCh38, 1-based): chr18:33,739,187, C>T. VCF-style: chr18-33739187-C-T. GRCh37 (hg19) VCF-style: chr18-31319151-C-T.
Other names: short protein forms Q595*.
Identifiers: ClinVar variation 620192 (VCV000620192.35), dbSNP rs1568360291, ClinGen allele CA402176325.